The following is an entry in ClinVar:

ClinVar aggregate classification (germline): Benign (1 of 4 stars; one submission).

Allele frequency attached by ClinVar (database versions not stated): 1000 Genomes Project 0.00280; 1000 Genomes Project 30x 0.00297; TOPMed 0.00335; gnomAD 0.00458; ESP Exome Variant Server 0.00501; ExAC 0.00656.
gnomAD v4.1: 8,921 of 1,613,168 alleles (0.55%); highest among the groups gnomAD compares: Non-Finnish European, 0.61%; 37 homozygotes.

Submission:

CeGaT Center for Human Genetics Tuebingen
Classification: Benign. Last evaluated: 2022-07-01. Review status: criteria provided, single submitter. Criteria: CeGaT Center For Human Genetics Tuebingen Variant Classification Criteria Version 2. Collection method: clinical testing. Allele origin: germline. Affected: yes. Observed: 1 variant allele.
Comment: AHNAK2: BS1, BS2

NM_138420.4(AHNAK2):c.11004G>A (p.Val3668=)

Gene: AHNAK2 (AHNAK nucleoprotein 2; minus strand). Cytogenetic location: 14q32.33.
Variant type: single nucleotide variant.
Coding change: c.11004G>A on transcript NM_138420.4 (MANE Select); coding-DNA position 11004, G replaced by A.
Protein change: p.Val3668=; no amino-acid change (valine 3668 retained).
Molecular consequence: synonymous variant.
Genome position (GRCh38, 1-based): chr14:104,944,447, C>T on the plus strand (G>A on the coding strand, the complement: AHNAK2 is on the minus strand). VCF-style: chr14-104944447-C-T. GRCh37 (hg19) VCF-style: chr14-105410784-C-T.
Other names: c.10704G>A, p.Val3568= (NM_001350929.2).
Identifiers: ClinVar variation 2644655 (VCV002644655.24), dbSNP rs148191664, ClinGen allele CA7378882.